The following is an entry in ClinVar:

ClinVar aggregate classification (germline): Uncertain significance (1 of 4 stars; one submission).

Conditions:
Developmental and epileptic encephalopathy, 12 (DEE12). Identifiers: MedGen C3150988, MONDO:0013389, OMIM 613722.

gnomAD v4.1: 1 of 1,611,174 alleles (0.000062%); highest among the groups gnomAD compares: Admixed American, 0.0017%; no homozygotes.

Submission:

Labcorp Genetics (formerly Invitae), Labcorp
Classification: Uncertain significance for Developmental and epileptic encephalopathy, 12. Last evaluated: 2022-04-18. Review status: criteria provided, single submitter. Criteria: Invitae Variant Classification Sherloc (09022015). Collection method: clinical testing. Allele origin: germline.
Comment: In summary, the available evidence is currently insufficient to determine the role of this variant in disease. Therefore, it has been classified as a Variant of Uncertain Significance. Algorithms developed to predict the effect of missense changes on protein structure and function (SIFT, PolyPhen-2, Align-GVGD) all suggest that this variant is likely to be tolerated. This variant has not been reported in the literature in individuals affected with PLCB1-related conditions. This variant is present in population databases (no rsID available, gnomAD 0.003%). This sequence change replaces glutamine, which is neutral and polar, with glutamic acid, which is acidic and polar, at codon 1134 of the PLCB1 protein (p.Gln1134Glu).

NM_015192.4(PLCB1):c.3400C>G (p.Gln1134Glu)

Gene: PLCB1 (phospholipase C beta 1; plus strand). Cytogenetic location: 20p12.3.
Variant type: single nucleotide variant.
Coding change: c.3400C>G on transcript NM_015192.4 (MANE Select); coding-DNA position 3400, C replaced by G.
Protein change: p.Gln1134Glu; replaces glutamine 1134 with glutamic acid.
Molecular consequence: missense variant.
Genome position (GRCh38, 1-based): chr20:8,790,238, C>G. VCF-style: chr20-8790238-C-G. GRCh37 (hg19) VCF-style: chr20-8770885-C-G.
Other names: c.3400C>G, p.Gln1134Glu (NM_182734.3); short protein forms Q1134E.
Identifiers: ClinVar variation 2124873 (VCV002124873.3), dbSNP rs1299681360, ClinGen allele CA408210148.